The following is an entry in ClinVar:

ClinVar aggregate classification (germline): Pathogenic (1 of 4 stars; one submission).

Submission:

Labcorp Genetics (formerly Invitae), Labcorp
Classification: Pathogenic. Last evaluated: 2022-07-12. Review status: criteria provided, single submitter. Criteria: Invitae Variant Classification Sherloc (09022015). Collection method: clinical testing. Allele origin: germline.
Comment: For these reasons, this variant has been classified as Pathogenic. ClinVar contains an entry for this variant (Variation ID: 1378613). This variant has not been reported in the literature in individuals affected with SLC24A1-related conditions. This variant is not present in population databases (gnomAD no frequency). This sequence change creates a premature translational stop signal (p.Asn279Lysfs*12) in the SLC24A1 gene. It is expected to result in an absent or disrupted protein product. Loss-of-function variants in SLC24A1 are known to be pathogenic (PMID: 20850105, 26822852).

Literature cited by the submitters: PubMed 20850105; PubMed 26822852.

NM_004727.3(SLC24A1):c.836dup (p.Asn279fs)

Gene: SLC24A1 (solute carrier family 24 member 1; plus strand). Cytogenetic location: 15q22.31.
Variant type: Duplication.
Coding change: c.836dup on transcript NM_004727.3 (MANE Select); coding-DNA position 836, one base duplicated (A; older notation c.836dupA).
Protein change: p.Asn279fs; shifts the reading frame from asparagine 279.
Molecular consequence: frameshift variant.
Genome position (GRCh38, 1-based): chr15:65,624,916, A duplicated; the last of 7 consecutive A bases (chr15:65,624,910-65,624,916); duplicating any one gives the same sequence. VCF-style (leftmost placement, unchanged base first): chr15-65624909-G-GA. GRCh37 (hg19) VCF-style: chr15-65917247-G-GA.
Other names: c.836dup, p.Asn279fs (NM_001301031.1, NM_001301032.1, NM_001301033.2); short protein forms N279fs.
Identifiers: ClinVar variation 1378613 (VCV001378613.6), dbSNP rs757471063, ClinGen allele CA645581001.